The following is an entry in ClinVar:

NM_000159.4(GCDH):c.1144G>A (p.Ala382Thr)

Gene: GCDH (glutaryl-CoA dehydrogenase; plus strand). Cytogenetic location: 19p13.13.
Variant type: single nucleotide variant.
Coding change: c.1144G>A on transcript NM_000159.4 (MANE Select); coding-DNA position 1144, G replaced by A.
Protein change: p.Ala382Thr; replaces alanine 382 with threonine.
Molecular consequence: missense variant. On other transcripts: non-coding transcript variant (2).
Genome position (GRCh38, 1-based): chr19:12,897,764, G>A. VCF-style: chr19-12897764-G-A. GRCh37 (hg19) VCF-style: chr19-13008578-G-A.
Other names: c.1144G>A, p.Ala382Thr (NM_013976.5); short protein forms A382T.
Identifiers: ClinVar variation 286241 (VCV000286241.26), dbSNP rs567564095, ClinGen allele CA9234619.

ClinVar aggregate classification (germline): Conflicting classifications of pathogenicity. Review status: criteria provided, conflicting classifications (1 of 4 stars). 11 submissions from 11 submitters: Pathogenic (5); Likely pathogenic (4); Uncertain significance (1). 1 of the submissions does not count toward it. Last evaluated 2026-01-16.

Conditions:
GCDH-related disorder. Also called: GCDH-related condition.
Glutaric aciduria, type 1. Also called: GA I; Glutaricacidemia Type 1; Glutaryl-CoA dehydrogenase deficiency; Glutaric acidemia type I; Glutaricaciduria, type I; Glutaric Acidemia Type 1. Identifiers: Orphanet 25, MedGen C0268595, MONDO:0009281, OMIM 231670.

Allele frequency attached by ClinVar (database versions not stated): gnomAD exomes below 0.00001; ExAC 0.00001; gnomAD 0.00003; TOPMed 0.00003; 1000 Genomes Project 30x 0.00016; 1000 Genomes Project 0.00020.
gnomAD v4.1: 15 of 1,614,028 alleles (0.00093%); highest among the groups gnomAD compares: African/African-American, 0.013%; no homozygotes.

Submissions (11):

3billion
Classification: Pathogenic for Glutaric aciduria, type 1. Last evaluated: 2026-01-16. Review status: criteria provided, single submitter. Criteria: ACMG Guidelines, 2015. Collection method: clinical testing. Allele origin: germline. Affected: yes.
Comment: The variant is observed at an extremely low frequency in the gnomAD v4.1.0 dataset (total allele frequency: <0.001%). Predicted Consequence/Location: Missense variant In silico tool predictions suggest damaging effect of the variant on gene or gene product [REVEL: 0.94 (>=0.6, sensitivity 0.68 and specificity 0.92); 3Cnet: 0.96 (> 0.75, sensitivity 0.96 and precision 0.92)]. The same nucleotide change resulting in the same amino acid change has been previously reported as pathogenic/likely pathogenic with strong evidence (ClinVar ID: VCV000286241 /PMID: 9711871, VCV000286241.16 /3billion dataset). The variant has been reported to be in trans with a pathogenic variant as either compound heterozygous or homozygous in at least 2 similarly affected unrelated individuals (PMID: 33064266, 35281663). Therefore, this variant is classified as Pathogenic according to the recommendation of ACMG/AMP guideline.

Labcorp Genetics (formerly Invitae), Labcorp
Classification: Pathogenic for Glutaric aciduria, type 1. Last evaluated: 2025-11-29. Review status: criteria provided, single submitter. Criteria: Invitae Variant Classification Sherloc (09022015). Collection method: clinical testing. Allele origin: germline.
Comment: This sequence change replaces alanine, which is neutral and non-polar, with threonine, which is neutral and polar, at codon 382 of the GCDH protein (p.Ala382Thr). This variant is present in population databases (rs567564095, gnomAD 0.008%). This missense change has been observed in individual(s) with glutaric acidemia (PMID: 27629047, 33064266). ClinVar contains an entry for this variant (Variation ID: 286241). Invitae Evidence Modeling of protein sequence and biophysical properties (such as structural, functional, and spatial information, amino acid conservation, physicochemical variation, residue mobility, and thermodynamic stability) indicates that this missense variant is not expected to disrupt GCDH protein function with a negative predictive value of 80%. Experimental studies have shown that this missense change affects GCDH function (PMID: 9711871). For these reasons, this variant has been classified as Pathogenic.

Natera, Inc.
Classification: Likely pathogenic for Glutaric acidemia type 1. Last evaluated: 2025-07-07. Review status: criteria provided, single submitter. Criteria: Natera Variant Classification Schema (03/2026). Collection method: clinical testing. Allele origin: germline.
Comment: The c.1144G>A variant in GCDH is a missense variant predicted to cause substitution of alanine to threonine at amino acid 382. This variant is rare in the general population with a frequency below the threshold expected for the associated phenotype(s). This variant has been observed in one or more individuals affected with the associated recessive disease, as either homozygous or compound heterozygous with a second variant (PMID: 37597066, 35662016, 33064266). Computational prediction algorithms indicate this variant is likely to affect gene or protein function. Given the available evidence, this variant is classified as Likely Pathogenic.

GeneDx
Classification: Likely pathogenic. Last evaluated: 2025-02-27. Review status: criteria provided, single submitter. Criteria: GeneDx Variant Classification Process June 2021. Collection method: clinical testing. Allele origin: germline. Affected: yes.
Comment: Observed in apparent homozygous state, with a second GCDH variant, or without zygosity information in patients with GA1 in published literature and tested at GeneDx (PMID: 9711871, 33064266, 27629047); Published functional studies demonstrate a damaging effect; specifically, expression studies in E.coli found the activity of the A382T mutant protein to be 0.2% of normal activity (PMID: 9711871); Not observed at significant frequency or in the homozygous state in large population cohorts (gnomAD); In silico analysis supports that this missense variant has a deleterious effect on protein structure/function; This variant is associated with the following publications: (PMID: 33064266, 37020324, 27629047, 9711871)

Dasa
Classification: Likely pathogenic. Last evaluated: 2025-01-13. Review status: criteria provided, single submitter. Criteria: DASA Assertion Criteria. Collection method: clinical testing. Allele origin: germline.
Comment: NM_000159.4(GCDH):c.1144G>A (p.Ala382Thr) is a missense variant that results in the substitution of alanine with threonine. The affected residue or protein region has prior evidence supporting clinical relevance. This variant has been recurrently observed in individuals with GCDH-related disorders (PMID: 9711871; PMID: 27629047; PMID: 35281663). Functional evidence supports an impact on the gene or gene product. Also, this variant is rare in population databases. Computational evidence supports a deleterious effect. Based on the currently available evidence, this variant is classified as likely pathogenic.

Genomic Medicine Center of Excellence, King Faisal Specialist Hospital and Research Centre
Classification: Pathogenic for Glutaric aciduria, type 1. Last evaluated: 2024-03-17. Review status: criteria provided, single submitter. Criteria: ACMG Guidelines, 2015. Collection method: research. Allele origin: germline.

PreventionGenetics, part of Exact Sciences
Classification: Likely pathogenic for GCDH-related condition. Last evaluated: 2023-05-28. Review status: criteria provided, single submitter. Criteria: ACMG Guidelines, 2015. Collection method: clinical testing. Allele origin: germline.
Comment: The GCDH c.1144G>A variant is predicted to result in the amino acid substitution p.Ala382Thr. This variant has been reported in individuals with glutaric acidemia 1 (Goodman et al. 1998. PubMed ID: 9711871; Alfadhel et al. 2016. PubMed ID: 27629047; Martín-Rivada et al. 2022. PubMed ID: 35281663). Experimental studies suggest this variant impacts protein function (Goodman et al. 1998. PubMed ID: 9711871). This variant is reported in 0.0080% of alleles in individuals of African descent in gnomAD. Taken together, this variant is interpreted as likely pathogenic.

Women's Health and Genetics/Laboratory Corporation of America, LabCorp
Classification: Pathogenic for Glutaric aciduria, type 1. Last evaluated: 2022-12-27. Review status: criteria provided, single submitter. Criteria: LabCorp Variant Classification Summary - May 2015. Collection method: clinical testing. Allele origin: germline.
Comment: Variant summary: GCDH c.1144G>A (p.Ala382Thr) results in a non-conservative amino acid change located in the Acyl-CoA dehydrogenase/oxidase C-terminal domain (IPR009075) of the encoded protein sequence. Five of five in-silico tools predict a damaging effect of the variant on protein function. The variant allele was found at a frequency of 4e-06 in 251450 control chromosomes (gnomAD). c.1144G>A has been reported in the literature in multiple individuals affected with Glutaric Acidemia Type 1 (Goodman_1998, Alfadhel_2016, E_2021, Sitta_2021, Martin-Rivada_2022). These data indicate that the variant is very likely to be associated with disease. Experimental evidence evaluating an impact on protein function demonstrated the variant significantly decreases enzyme activity when expressed in E. coli (Goodman_1998). Two ClinVar submitters (evaluation after 2014) cite the variant as pathogenic/likely pathogenic and two ClinVar submitters (evaluation after 2014) cite it as uncertain significance. Based on the evidence outlined above, the variant was classified as pathogenic.

Mendelics
Classification: Pathogenic for Glutaric aciduria, type 1. Last evaluated: 2019-05-28. Review status: criteria provided, single submitter. Criteria: Mendelics Assertion Criteria 2017. Collection method: clinical testing. Allele origin: unknown.

Eurofins Ntd Llc (ga)
Classification: Uncertain significance. Last evaluated: 2016-02-09. Review status: criteria provided, single submitter. Criteria: EGL Classification Definitions 2015. Collection method: clinical testing. Allele origin: germline. Observed: 1 variant allele, 1 homozygote.

Counsyl
Classification: Uncertain significance for Glutaric aciduria, type 1. Last evaluated: 2018-04-09. Review status: no assertion criteria provided. Collection method: clinical testing. Allele origin: unknown. Not counted in ClinVar's aggregate classification.

Literature cited by the submitters: PubMed 33064266 (cited by 4 submitters); PubMed 9711871 (cited by 6 submitters); PubMed 35281663 (cited by 3 submitters); PubMed 27629047 (cited by 4 submitters); PubMed 37597066 (cited by Natera, Inc.); PubMed 35662016 (cited by Natera, Inc.); PubMed 34306040 (cited by Women's Health and Genetics/Laboratory Corporation of America, LabCorp).